The following is an entry in ClinVar:

ClinVar aggregate classification (germline): Uncertain significance (1 of 4 stars; one submission).

Conditions:
DNA ligase IV deficiency. Identifiers: Orphanet 99812, MedGen C1847827, MONDO:0011686, OMIM 606593.

Submission:

Labcorp Genetics (formerly Invitae), Labcorp
Classification: Uncertain significance for DNA ligase IV deficiency. Last evaluated: 2022-08-16. Review status: criteria provided, single submitter. Criteria: Invitae Variant Classification Sherloc (09022015). Collection method: clinical testing. Allele origin: germline.
Comment: This sequence change replaces threonine, which is neutral and polar, with alanine, which is neutral and non-polar, at codon 299 of the LIG4 protein (p.Thr299Ala). This variant is not present in population databases (gnomAD no frequency). This variant has not been reported in the literature in individuals affected with LIG4-related conditions. Algorithms developed to predict the effect of missense changes on protein structure and function are either unavailable or do not agree on the potential impact of this missense change (SIFT: "Deleterious"; PolyPhen-2: "Probably Damaging"; Align-GVGD: "Class C0"). In summary, the available evidence is currently insufficient to determine the role of this variant in disease. Therefore, it has been classified as a Variant of Uncertain Significance.

NM_206937.2(LIG4):c.895A>G (p.Thr299Ala)

Gene: LIG4 (DNA ligase 4; minus strand). Cytogenetic location: 13q33.3.
Variant type: single nucleotide variant.
Coding change: c.895A>G on transcript NM_206937.2 (MANE Select); coding-DNA position 895, A replaced by G.
Protein change: p.Thr299Ala; replaces threonine 299 with alanine.
Molecular consequence: missense variant.
Genome position (GRCh38, 1-based): chr13:108,210,374, T>C on the plus strand (A>G on the coding strand, the complement: LIG4 is on the minus strand). VCF-style: chr13-108210374-T-C. GRCh37 (hg19) VCF-style: chr13-108862722-T-C.
Other names: c.895A>G, p.Thr299Ala (NM_001098268.2, NM_001352598.2, NM_001352599.2 and 6 more transcripts); c.694A>G, p.Thr232Ala (NM_001330595.2); c.931A>G, p.Thr311Ala (NM_001352604.2); short protein forms T232A, T299A, T311A.
Identifiers: ClinVar variation 1715890 (VCV001715890.5), dbSNP rs2501613134, ClinGen allele CA388619371.